The following is an entry in ClinVar:

ClinVar aggregate classification (germline): Uncertain significance (1 of 4 stars; one submission).

Allele frequency attached by ClinVar (database versions not stated): ExAC 0.00001.

Submission:

Labcorp Genetics (formerly Invitae), Labcorp
Classification: Uncertain significance. Last evaluated: 2022-07-26. Review status: criteria provided, single submitter. Criteria: Invitae Variant Classification Sherloc (09022015). Collection method: clinical testing. Allele origin: germline.
Comment: In summary, the available evidence is currently insufficient to determine the role of this variant in disease. Therefore, it has been classified as a Variant of Uncertain Significance. Algorithms developed to predict the effect of missense changes on protein structure and function output the following: SIFT: "Not Available"; PolyPhen-2: "Benign"; Align-GVGD: "Not Available". The threonine amino acid residue is found in multiple mammalian species, which suggests that this missense change does not adversely affect protein function. ClinVar contains an entry for this variant (Variation ID: 1355777). This variant has not been reported in the literature in individuals affected with POLR1A-related conditions. This variant is present in population databases (rs768711750, gnomAD 0.0009%). This sequence change replaces alanine, which is neutral and non-polar, with threonine, which is neutral and polar, at codon 193 of the POLR1A protein (p.Ala193Thr).

NM_015425.6(POLR1A):c.577G>A (p.Ala193Thr)

Gene: POLR1A (RNA polymerase I subunit A; minus strand). Cytogenetic location: 2p11.2.
Variant type: single nucleotide variant.
Coding change: c.577G>A on transcript NM_015425.6 (MANE Select); coding-DNA position 577, G replaced by A.
Protein change: p.Ala193Thr; replaces alanine 193 with threonine.
Molecular consequence: missense variant.
Genome position (GRCh38, 1-based): chr2:86,088,834, C>T on the plus strand (G>A on the coding strand, the complement: POLR1A is on the minus strand). VCF-style: chr2-86088834-C-T. GRCh37 (hg19) VCF-style: chr2-86315957-C-T.
Other names: short protein forms A193T.
Identifiers: ClinVar variation 1355777 (VCV001355777.8), dbSNP rs768711750, ClinGen allele CA1746612.